The following is an entry in ClinVar:

NM_002972.4(SBF1):c.3443A>G (p.Glu1148Gly)

Gene: SBF1 (SET binding factor 1; minus strand). Cytogenetic location: 22q13.33.
Variant type: single nucleotide variant.
Coding change: c.3443A>G on transcript NM_002972.4 (MANE Select); coding-DNA position 3443, A replaced by G.
Protein change: p.Glu1148Gly; replaces glutamic acid 1148 with glycine.
Molecular consequence: missense variant.
Genome position (GRCh38, 1-based): chr22:50,460,000, T>C on the plus strand (A>G on the coding strand, the complement: SBF1 is on the minus strand). VCF-style: chr22-50460000-T-C. GRCh37 (hg19) VCF-style: chr22-50898429-T-C.
Other names: c.3443A>G (NM_002972.2); c.3446A>G, p.Glu1149Gly (NM_001365819.1, NM_001410794.1); c.3443A>G, p.Glu1148Gly (NM_001410795.1, NM_197971.1); short protein forms E1148G, E1149G.
Identifiers: ClinVar variation 1921463 (VCV001921463.3), dbSNP rs1231667508, ClinGen allele CA412204932.

ClinVar aggregate classification (germline): Uncertain significance. Review status: criteria provided, multiple submitters, no conflicts (2 of 4 stars). 2 submissions from 2 submitters: Uncertain significance (2). Last evaluated 2025-07-13.

Allele frequency attached by ClinVar (database versions not stated): gnomAD 0.00001; TOPMed 0.00001.
gnomAD v4.1: 5 of 1,613,806 alleles (0.00031%); highest among the groups gnomAD compares: Non-Finnish European, 0.00042%; no homozygotes.

Submissions (2):

Ambry Genetics
Classification: Uncertain significance. Last evaluated: 2025-07-13. Review status: criteria provided, single submitter. Criteria: Ambry Variant Classification Scheme 2023. Collection method: clinical testing. Allele origin: germline.

Labcorp Genetics (formerly Invitae), Labcorp
Classification: Uncertain significance. Last evaluated: 2022-08-21. Review status: criteria provided, single submitter. Criteria: Invitae Variant Classification Sherloc (09022015). Collection method: clinical testing. Allele origin: germline.
Comment: This sequence change replaces glutamic acid, which is acidic and polar, with glycine, which is neutral and non-polar, at codon 1148 of the SBF1 protein (p.Glu1148Gly). This variant is present in population databases (no rsID available, gnomAD 0.0009%). This variant has not been reported in the literature in individuals affected with SBF1-related conditions. Algorithms developed to predict the effect of missense changes on protein structure and function are either unavailable or do not agree on the potential impact of this missense change (SIFT: "Tolerated"; PolyPhen-2: "Probably Damaging"; Align-GVGD: "Class C0"). In summary, the available evidence is currently insufficient to determine the role of this variant in disease. Therefore, it has been classified as a Variant of Uncertain Significance.